The following is an entry in ClinVar:

ClinVar aggregate classification (germline): Uncertain significance (1 of 4 stars; one submission).

Conditions:
Hereditary cancer-predisposing syndrome. Also called: Hereditary Cancer Syndrome; Hereditary neoplastic syndrome; Neoplastic Syndromes, Hereditary; Tumor predisposition. Identifiers: Orphanet 140162, MedGen C0027672, MeSH D009386, MONDO:0015356.

Submission:

Ambry Genetics
Classification: Uncertain significance for Hereditary cancer-predisposing syndrome. Last evaluated: 2025-07-14. Review status: criteria provided, single submitter. Criteria: Ambry Variant Classification Scheme 2023. Collection method: clinical testing. Allele origin: germline.
Comment: The p.R1288G variant (also known as c.3862A>G), located in coding exon 20 of the DICER1 gene, results from an A to G substitution at nucleotide position 3862. The arginine at codon 1288 is replaced by glycine, an amino acid with dissimilar properties. This amino acid position is conserved. In addition, the in silico prediction for this alteration is inconclusive. Based on the available evidence, the clinical significance of this variant remains unclear.

NM_177438.3(DICER1):c.3862A>G (p.Arg1288Gly)

Gene: DICER1 (dicer 1, ribonuclease III; minus strand). Cytogenetic location: 14q32.13.
Variant type: single nucleotide variant.
Coding change: c.3862A>G on transcript NM_177438.3 (MANE Select); coding-DNA position 3862, A replaced by G.
Protein change: p.Arg1288Gly; replaces arginine 1288 with glycine.
Molecular consequence: missense variant. On other transcripts: non-coding transcript variant (6).
Genome position (GRCh38, 1-based): chr14:95,103,534, T>C on the plus strand (A>G on the coding strand, the complement: DICER1 is on the minus strand). VCF-style: chr14-95103534-T-C. GRCh37 (hg19) VCF-style: chr14-95569871-T-C.
Other names: c.3862A>G, p.Arg1288Gly (NM_001195573.1, NM_001271282.3, NM_001291628.2 and 12 more transcripts); c.3580A>G, p.Arg1194Gly (NM_001395686.1); c.3457A>G, p.Arg1153Gly (NM_001395687.1, NM_001395688.1, NM_001395689.1 and 2 more transcripts); c.3295A>G, p.Arg1099Gly (NM_001395691.1); c.2179A>G, p.Arg727Gly (NM_001395697.1); short protein forms R1099G, R1288G, R727G, R1153G, R1194G.
Identifiers: ClinVar variation 4240501 (VCV004240501.1).